The following is an entry in ClinVar:

NM_000193.4(SHH):c.570G>A (p.Ser190=)

Gene: SHH (sonic hedgehog signaling molecule; minus strand). Cytogenetic location: 7q36.3.
Variant type: single nucleotide variant.
Coding change: c.570G>A on transcript NM_000193.4 (MANE Select); coding-DNA position 570, G replaced by A.
Protein change: p.Ser190=; no amino-acid change (serine 190 retained).
Molecular consequence: synonymous variant. On other transcripts: intron variant (1).
Genome position (GRCh38, 1-based): chr7:155,803,719, C>T on the plus strand (G>A on the coding strand, the complement: SHH is on the minus strand). VCF-style: chr7-155803719-C-T. GRCh37 (hg19) VCF-style: chr7-155596413-C-T.
Other names: c.570G>A; c.301+2577G>A (NM_001310462.2).
Identifiers: ClinVar variation 65877 (VCV000065877.23), dbSNP rs9333633, ClinGen allele CA202226.

ClinVar aggregate classification (germline): Benign/Likely benign. Review status: criteria provided, multiple submitters, no conflicts (2 of 4 stars). 9 submissions from 9 submitters: Benign (4); Likely benign (2). 3 of the submissions do not count toward it. Last evaluated 2026-01-26.

Conditions:
Holoprosencephaly 3 (HPE3). Identifiers: Orphanet 2162, MedGen C1840529, MONDO:0007733, OMIM 142945.

Allele frequency attached by ClinVar (database versions not stated): ESP Exome Variant Server 0.00211; gnomAD 0.00262 and 0.00302; TOPMed 0.00290; 1000 Genomes Project 30x 0.00406; 1000 Genomes Project 0.00479; ExAC 0.00583.
gnomAD v4.1: 6,847 of 1,596,968 alleles (0.43%); highest among the groups gnomAD compares: South Asian, 1.9%; 56 homozygotes.

Submissions (9):

Labcorp Genetics (formerly Invitae), Labcorp
Classification: Benign for Holoprosencephaly 3. Last evaluated: 2026-01-26. Review status: criteria provided, single submitter. Criteria: Invitae Variant Classification Sherloc (09022015). Collection method: clinical testing. Allele origin: germline.

Athena Diagnostics
Classification: Benign. Last evaluated: 2018-03-19. Review status: criteria provided, single submitter. Criteria: Athena Diagnostics Criteria. Collection method: clinical testing. Allele origin: germline.

GeneDx
Classification: Benign. Last evaluated: 2015-03-03. Review status: criteria provided, single submitter. Criteria: GeneDx Variant Classification Process June 2021. Collection method: clinical testing. Allele origin: germline. Affected: yes.

Eurofins Ntd Llc (ga)
Classification: Likely benign. Last evaluated: 2014-09-17. Review status: criteria provided, single submitter. Criteria: EGL Classification Definitions 2015. Collection method: clinical testing. Allele origin: germline. Observed: 1 variant allele, 1 heterozygote.

Breakthrough Genomics
Classification: Likely benign. Review status: criteria provided, single submitter. Criteria: ACMG Guidelines, 2015. Collection method: not provided. Allele origin: germline. Inheritance: Autosomal dominant inheritance. Affected: yes.

PreventionGenetics, part of Exact Sciences
Classification: Benign. Review status: criteria provided, single submitter. Criteria: ACMG Guidelines, 2015. Collection method: clinical testing. Allele origin: germline.

GeneReviews
Classification: Benign for Holoprosencephaly. Last evaluated: 2013-08-29. Review status: no assertion criteria provided. Collection method: curation. Allele origin: unknown. Not counted in ClinVar's aggregate classification.
ClinVar note: Converted during submission from non-pathogenic to Benign.

Clinical Genetics DNA and cytogenetics Diagnostics Lab, Erasmus MC, Erasmus Medical Center
Classification: Benign. Review status: no assertion criteria provided. Collection method: clinical testing. Allele origin: germline. Affected: yes. Study: VKGL Data-share Consensus. Not counted in ClinVar's aggregate classification.

Clinical Genetics, Academic Medical Center
Classification: Benign. Review status: no assertion criteria provided. Collection method: clinical testing. Allele origin: germline. Affected: yes. Study: VKGL Data-share Consensus. Not counted in ClinVar's aggregate classification.

Literature cited by the submitters: PubMed 11857543 (cited by Athena Diagnostics); PubMed 9302262 (cited by Athena Diagnostics); PubMed 11471164 (cited by Athena Diagnostics); PubMed 10479723 (cited by Athena Diagnostics); PubMed 20425842 (cited by Athena Diagnostics); PubMed 9600232 (cited by Athena Diagnostics).